The following is an entry in ClinVar:

NM_000455.5(STK11):c.*16+7_*16+36del

Gene: STK11 (serine/threonine kinase 11; plus strand). Cytogenetic location: 19p13.3.
Variant type: Deletion.
Coding change: c.*16+7_*16+36del on transcript NM_000455.5 (MANE Select); bases 7 to 36 of the intron after 16 bases downstream of the stop codon, 30 bases deleted (CGCGGCGGGGCCCGGGTGGGGCATGTGGGG).
Molecular consequence: splice donor variant.
Genome position (GRCh38, 1-based): chr19:1,226,670-1,226,699, CGCGGCGGGGCCCGGGTGGGGCATGTGGGG deleted; deleting any 30 consecutive bases within chr19:1,226,664-1,226,699 gives the same sequence; the c. name uses the placement nearest the transcript's 3' end. VCF-style (leftmost placement, unchanged base first): chr19-1226663-GGTGGGGCGCGGCGGGGCCCGGGTGGGGCAT-G. GRCh37 (hg19) VCF-style: chr19-1226662-GGTGGGGCGCGGCGGGGCCCGGGTGGGGCAT-G.
Other names: c.*16+7_*16+36delCGCGGCGGGGCCCGGGTGGGGCATGTGGGG (NM_000455.4).
Identifiers: ClinVar variation 420252 (VCV000420252.3), dbSNP rs1064794374, ClinGen allele CA16620762.

ClinVar aggregate classification (germline): Conflicting classifications of pathogenicity. Review status: criteria provided, conflicting classifications (1 of 4 stars). 2 submissions from 2 submitters: Uncertain significance (1); Likely benign (1). Last evaluated 2019-04-11.

Conditions:
Hereditary cancer-predisposing syndrome. Also called: Hereditary neoplastic syndrome; Tumor predisposition; Neoplastic Syndromes, Hereditary; Hereditary Cancer Syndrome. Identifiers: Orphanet 140162, MedGen C0027672, MeSH D009386, MONDO:0015356.

Submissions (2):

Color Diagnostics, LLC DBA Color Health
Classification: Uncertain significance for Hereditary cancer-predisposing syndrome. Last evaluated: 2019-04-11. Review status: criteria provided, single submitter. Criteria: ACMG Guidelines, 2015. Collection method: clinical testing. Allele origin: germline.

GeneDx
Classification: Likely benign. Last evaluated: 2015-12-08. Review status: criteria provided, single submitter. Criteria: GeneDx Variant Classification (06012015). Collection method: clinical testing. Allele origin: germline. Affected: yes.
Comment: This variant is considered likely benign or benign based on one or more of the following criteria: it is a conservative change, it occurs at a poorly conserved position in the protein, it is predicted to be benign by multiple in silico algorithms, and/or has population frequency not consistent with disease.